The following is an entry in ClinVar:

ClinVar aggregate classification (germline): Uncertain significance. Review status: reviewed by expert panel (3 of 4 stars). 2 submissions from 2 submitters: Uncertain significance (1). 1 of the submissions does not count toward it. Last evaluated 2019-08-11.

Conditions:
Phenylketonuria (PKU). Also called: Phenylketonuria (PKU); FOLLING DISEASE; OLIGOPHRENIA PHENYLPYRUVICA; Phenylketonurias. Identifiers: Orphanet 716, MedGen C0031485, MONDO:0009861, OMIM 261600. Disease mechanism: loss of function.

Allele frequency attached by ClinVar (database versions not stated): gnomAD 0.00001.
gnomAD v4.1: 1 of 1,614,078 alleles (0.000062%); highest among the groups gnomAD compares: Non-Finnish European, 0.000085%; no homozygotes.

Submissions (2):

ClinGen PAH Variant Curation Expert Panel
Classification: Uncertain significance for Phenylketonuria. Last evaluated: 2019-08-11. Review status: reviewed by expert panel. Criteria: ClinGen PAH ACMG Specifications v1. Collection method: curation. Allele origin: germline. Inheritance: Autosomal recessive inheritance.
Comment: VUS:The c.59A>T (p.Q20L) variant was detected in trans with a known pathogenic variant (c.1315+1G>A) in a patient with hyperphenylalaninemia (parental testing not reported) (PP4, PM3-supporting; PMID: 10679941). This variant is absent from population databases including, gnomAD, ESP, and 1000 Genomes (PM2). Computation predictors on protein structure and function indicate conflicting results (SIFT: tolerated, Polyphen: Benign, MutationTaster: Disease causing, REVEL=0.582). In summary this variant meets the criteria to be classified as uncertain significance for PAH. PAH-specific ACMG/AMP criteria applied: PM2, PM3-supporting, PP4.

DeBelle Laboratory for Biochemical Genetics, MUHC/MCH RESEARCH INSTITUTE
No classification provided. Review status: no classification provided. Collection method: not provided. Allele origin: not provided. Not counted in ClinVar's aggregate classification.

Literature cited by the submitters: PubMed 10679941 (cited by ClinGen PAH Variant Curation Expert Panel).

NM_000277.3(PAH):c.59A>T (p.Gln20Leu)

Gene: PAH (phenylalanine hydroxylase; minus strand). Cytogenetic location: 12q23.2.
Variant type: single nucleotide variant.
Coding change: c.59A>T on transcript NM_000277.3 (MANE Select); coding-DNA position 59, A replaced by T.
Protein change: p.Gln20Leu; replaces glutamine 20 with leucine.
Molecular consequence: missense variant.
Genome position (GRCh38, 1-based): chr12:102,917,072, T>A on the plus strand (A>T on the coding strand, the complement: PAH is on the minus strand). VCF-style: chr12-102917072-T-A. GRCh37 (hg19) VCF-style: chr12-103310850-T-A.
Other names: c.59A>T, p.Gln20Leu (NM_001354304.2); short protein forms Q20L.
Identifiers: ClinVar variation 102749 (VCV000102749.2), dbSNP rs199475662, ClinGen allele CA229641.